The following is an entry in ClinVar:

NM_000135.4(FANCA):c.1849C>G (p.Leu617Val)

Gene: FANCA (FA complementation group A; minus strand). Cytogenetic location: 16q24.3.
Variant type: single nucleotide variant.
Coding change: c.1849C>G on transcript NM_000135.4 (MANE Select); coding-DNA position 1849, C replaced by G.
Protein change: p.Leu617Val; replaces leucine 617 with valine.
Molecular consequence: missense variant.
Genome position (GRCh38, 1-based): chr16:89,775,793, G>C on the plus strand (C>G on the coding strand, the complement: FANCA is on the minus strand). VCF-style: chr16-89775793-G-C. GRCh37 (hg19) VCF-style: chr16-89842201-G-C.
Other names: c.1849C>G, p.Leu617Val (NM_001286167.3); short protein forms L617V.
Identifiers: ClinVar variation 2770298 (VCV002770298.5), dbSNP rs2143393232, ClinGen allele CA397452041.

ClinVar aggregate classification (germline): Uncertain significance. Review status: criteria provided, multiple submitters, no conflicts (2 of 4 stars). 3 submissions from 3 submitters: Uncertain significance (3). Last evaluated 2025-05-11.

Conditions:
Fanconi anemia (FA). Also called: Fanconi's anemia. Identifiers: Orphanet 84, MedGen C0015625, MeSH D005199, MONDO:0019391.
Fanconi anemia complementation group A (FANCA). Also called: FANCA-Related Fanconi Anemia; Fanconi anemia, group A. Identifiers: Orphanet 84, MedGen C3469521, MONDO:0009215, OMIM 227650.
Inborn genetic diseases. Identifiers: MedGen C0950123, MeSH D030342.

Allele frequency attached by ClinVar (database versions not stated): gnomAD exomes below 0.00001.

Submissions (3):

Ambry Genetics
Classification: Uncertain significance for Inborn genetic diseases. Last evaluated: 2025-05-11. Review status: criteria provided, single submitter. Criteria: Ambry Variant Classification Scheme 2023. Collection method: clinical testing. Allele origin: germline.
Comment: The p.L617V variant (also known as c.1849C>G), located in coding exon 21 of the FANCA gene, results from a C to G substitution at nucleotide position 1849. The leucine at codon 617 is replaced by valine, an amino acid with highly similar properties. This amino acid position is conserved. In addition, this alteration is predicted to be tolerated by in silico analysis. Based on the available evidence, the clinical significance of this variant remains unclear.

Fulgent Genetics
Classification: Uncertain significance for Fanconi anemia complementation group A. Last evaluated: 2024-06-03. Review status: criteria provided, single submitter. Criteria: ACMG Guidelines, 2015. Collection method: clinical testing. Allele origin: germline.

Labcorp Genetics (formerly Invitae), Labcorp
Classification: Uncertain significance for Fanconi anemia. Last evaluated: 2024-04-22. Review status: criteria provided, single submitter. Criteria: Invitae Variant Classification Sherloc (09022015). Collection method: clinical testing. Allele origin: germline.
Comment: This sequence change replaces leucine, which is neutral and non-polar, with valine, which is neutral and non-polar, at codon 617 of the FANCA protein (p.Leu617Val). This variant is not present in population databases (gnomAD no frequency). This variant has not been reported in the literature in individuals affected with FANCA-related conditions. Advanced modeling of protein sequence and biophysical properties (such as structural, functional, and spatial information, amino acid conservation, physicochemical variation, residue mobility, and thermodynamic stability) performed at Invitae indicates that this missense variant is not expected to disrupt FANCA protein function with a negative predictive value of 80%. In summary, the available evidence is currently insufficient to determine the role of this variant in disease. Therefore, it has been classified as a Variant of Uncertain Significance.